The following is an entry in ClinVar:

NM_015046.7(SETX):c.6843-5T>A

Gene: SETX (senataxin; minus strand). Cytogenetic location: 9q34.13.
Variant type: single nucleotide variant.
Coding change: c.6843-5T>A on transcript NM_015046.7 (MANE Select); 5 bases into the intron before coding-DNA position 6843, T replaced by A.
Molecular consequence: intron variant.
Genome position (GRCh38, 1-based): chr9:132,277,157, A>T on the plus strand (T>A on the coding strand, the complement: SETX is on the minus strand). VCF-style: chr9-132277157-A-T. GRCh37 (hg19) VCF-style: chr9-135152544-A-T.
Other names: p.?; c.6843-5T>A (NM_015046.5, NM_001351528.2, NM_001351527.2).
Identifiers: ClinVar variation 1100070 (VCV001100070.11), dbSNP rs943904959, ClinGen allele CA200799534.
Genomic context (GRCh38, chr9:132,277,157, plus strand): 5'-ACACAAGGTATGGCTGAAATGGCCAATCTGATGAACATCGAATGGCTTCTGTCTGTCTGT[A>T]AAAAAAAAAAAGCAGTCAACATTCAGAATAAAGTCAAGATTTAAGAAAATATCTTGGTAT-3'

ClinVar aggregate classification (germline): Likely benign. Review status: criteria provided, multiple submitters, no conflicts (2 of 4 stars). 3 submissions from 3 submitters: Likely benign (2). 1 of the submissions does not count toward it. Last evaluated 2024-12-24.

Conditions:
SETX-related disorder. Also called: SETX-related condition; SETX-related disorders. Identifiers: MedGen CN239403.
Amyotrophic lateral sclerosis type 4 (ALS4). Also called: NEURONOPATHY, DISTAL HEREDITARY MOTOR, WITH PYRAMIDAL FEATURES; AMYOTROPHIC LATERAL SCLEROSIS 4, JUVENILE. Identifiers: Orphanet 357043, MedGen C1865409, MONDO:0011223, OMIM 602433.
Spinocerebellar ataxia, autosomal recessive, with axonal neuropathy 2 (SCAN2). Also called: Ataxia-ocular apraxia-2; ATAXIA-OCULOMOTOR APRAXIA 2; Ataxia with Oculomotor Apraxia; Ataxia with Oculomotor Apraxia Type 2. Identifiers: Orphanet 64753, MedGen C1853761, MONDO:0018996, OMIM 606002.

Allele frequency attached by ClinVar (database versions not stated): gnomAD 0.00003 and 0.00004; TOPMed 0.00003.
gnomAD v4.1: 16 of 415,594 alleles (0.0038%); highest among the groups gnomAD compares: Non-Finnish European, 0.0055%; no homozygotes.

Submissions (3):

Mayo Clinic Laboratories, Mayo Clinic
Classification: Likely benign. Last evaluated: 2024-12-24. Review status: criteria provided, single submitter. Criteria: ACMG Guidelines, 2015. Collection method: clinical testing. Allele origin: germline. Observed: 2 variant alleles.
Comment: BP4, BP7

Labcorp Genetics (formerly Invitae), Labcorp
Classification: Likely benign for Amyotrophic lateral sclerosis type 4; Spinocerebellar ataxia, autosomal recessive, with axonal neuropathy 2. Last evaluated: 2023-12-01. Review status: criteria provided, single submitter. Criteria: Invitae Variant Classification Sherloc (09022015). Collection method: clinical testing. Allele origin: germline.

PreventionGenetics, part of Exact Sciences
Classification: Likely benign for SETX-related condition. Last evaluated: 2024-05-20. Review status: no assertion criteria provided. Collection method: clinical testing. Allele origin: germline. Not counted in ClinVar's aggregate classification.
Comment: This variant is classified as likely benign based on ACMG/AMP sequence variant interpretation guidelines (Richards et al. 2015 PMID: 25741868, with internal and published modifications).